The following is an entry in ClinVar:

ClinVar aggregate classification (germline): Pathogenic. Review status: criteria provided, multiple submitters, no conflicts (2 of 4 stars). 8 submissions from 8 submitters: Pathogenic (6). 2 of the submissions do not count toward it. Last evaluated 2026-01-11.

Conditions:
Glycine encephalopathy 1 (GCE1). Identifiers: MedGen CN376801, MONDO:0958179, OMIM 605899.
Glycine encephalopathy 2 (GCE2). Identifiers: MedGen C5830559, MONDO:0958192, OMIM 620398.
Glycine encephalopathy. Also called: Nonketotic hyperglycinemia; Non-ketotic hyperglycinemia. Identifiers: Orphanet 407, MedGen C0751748, MONDO:0011612, HP:0008288.

Allele frequency attached by ClinVar (database versions not stated): TOPMed below 0.00001; gnomAD exomes 0.00001 and below 0.00001.
gnomAD v4.1: 14 of 1,614,164 alleles (0.00087%); highest among the groups gnomAD compares: Admixed American, 0.0017%; no homozygotes.

Submissions (8):

Labcorp Genetics (formerly Invitae), Labcorp
Classification: Pathogenic for Glycine encephalopathy. Last evaluated: 2026-01-11. Review status: criteria provided, single submitter. Criteria: Invitae Variant Classification Sherloc (09022015). Collection method: clinical testing. Allele origin: germline.
Comment: This sequence change affects a donor splice site in intron 4 of the AMT gene. It is expected to disrupt RNA splicing. Variants that disrupt the donor or acceptor splice site typically lead to a loss of protein function (PMID: 16199547), and loss-of-function variants in AMT are known to be pathogenic (PMID: 16450403). This variant is present in population databases (rs386833684, gnomAD 0.003%). Disruption of this splice site has been observed in individuals with nonketotic hyperglycinemia (PMID: 16450403). ClinVar contains an entry for this variant (Variation ID: 56233). Algorithms developed to predict the effect of sequence changes on RNA splicing suggest that this variant may disrupt the consensus splice site. For these reasons, this variant has been classified as Pathogenic.

Natera, Inc.
Classification: Pathogenic for Non-ketotic hyperglycinemia. Last evaluated: 2025-01-09. Review status: criteria provided, single submitter. Criteria: Natera Variant Classification Schema (03/2026). Collection method: clinical testing. Allele origin: germline.
Comment: The c.471+2T>C variant in AMT is a canonical splice donor site variant predicted to affect pre-mRNA splicing, which may result in an abnormal transcript and altered protein product. This variant is expected to result in nonsense mediated decay, truncation, or a dysfunctional protein product. This variant is rare in the general population with a frequency below the threshold expected for the associated phenotype(s). This variant has been observed in one or more individuals affected with the associated recessive disease, as either homozygous or compound heterozygous with a second variant (PMID: 16450403, 35357708). Given the available evidence, this variant is classified as Pathogenic.

Fulgent Genetics
Classification: Pathogenic for Glycine encephalopathy 2. Last evaluated: 2024-02-08. Review status: criteria provided, single submitter. Criteria: ACMG Guidelines, 2015. Collection method: clinical testing. Allele origin: germline.

Baylor Genetics
Classification: Pathogenic for Glycine encephalopathy 1. Last evaluated: 2023-03-02. Review status: criteria provided, single submitter. Criteria: ACMG Guidelines, 2015. Collection method: clinical testing. Allele origin: unknown.

Women's Health and Genetics/Laboratory Corporation of America, LabCorp
Classification: Pathogenic for Glycine encephalopathy. Last evaluated: 2022-02-07. Review status: criteria provided, single submitter. Criteria: LabCorp Variant Classification Summary - May 2015. Collection method: clinical testing. Allele origin: germline.
Comment: Variant summary: AMT c.471+2T>C is located in a canonical splice-site and is predicted to affect mRNA splicing resulting in a significantly altered protein due to either exon skipping, shortening, or inclusion of intronic material. Several computational tools predict a significant impact on normal splicing: Four predict the variant abolishes a 5' splicing donor site. However, these predictions have yet to be confirmed by functional studies. The variant allele was found at a frequency of 4e-06 in 251476 control chromosomes (gnomAD). c.471+2T>C has been reported in the literature in multiple compound heterozygous individuals affected with Glycine Encephalopathy (aka. Non-Ketotic Hyperglycinemia) (Kure_2006, Swanson_2015, Coughlin_2017). These data indicate that the variant is likely to be associated with disease. To our knowledge, no experimental evidence demonstrating an impact on protein function has been reported. Four clinical diagnostic laboratories have submitted clinical-significance assessments for this variant to ClinVar after 2014 , and all of them classified the variant as pathogenic. Based on the evidence outlined above, the variant was classified as pathogenic.

Illumina Laboratory Services, Illumina
Classification: Pathogenic for Glycine encephalopathy 1. Last evaluated: 2020-06-26. Review status: criteria provided, single submitter. Criteria: ICSLVariantClassificationCriteria RUGD 01 April 2020. Collection method: clinical testing. Allele origin: unknown.
Comment: The AMT c.471+2T>C variant occurs in a canonical splice site (donor) and is therefore predicted to disrupt or distort the normal gene product. The variant has been reported in a compound heterozygous state in at least two unrelated families affected with the neonatal form of glycine encephalopathy (also known as nonketotic hyperglycinemia; NKH). The c.471+2T>C variant was found in trans with a missense variant in one family and with a frameshift variant in the second family (Kure et al. 2006). The c.471+2T>C variant was also identified in five individuals from a cohort of 578 families suspected to have classic NKH (Coughlin et al. 2016). Control data are unavailable for this variant which is found at a frequency of 0.000029 in the Latino population of the Genome Aggregation Database. This frequency is based on one allele in a region of good sequence coverage, so the variant is presumed to be rare. Based on the potential impact of slice donor variants, the variant's rarity and application of the ACMG criteria, the c.471+2T>C variant is classified as pathogenic for glycine encephalopathy.

Counsyl
Classification: Pathogenic for Glycine encephalopathy 1. Last evaluated: 2018-01-10. Review status: no assertion criteria provided. Collection method: clinical testing. Allele origin: unknown. Not counted in ClinVar's aggregate classification.

Juha Muilu Group; Institute for Molecular Medicine Finland (FIMM)
Classification: Likely pathogenic for Non-ketotic hyperglycinemia. Review status: no assertion criteria provided. Collection method: not provided. Allele origin: unknown. Not counted in ClinVar's aggregate classification.
Comment: FinDis database variant: This variant was not found or characterized by our laboratory, data were collected from public sources: see reference
ClinVar note: Converted during submission from probable-pathogenic to Likely pathogenic.

Literature cited by the submitters: PubMed 16199547 (cited by Labcorp Genetics (formerly Invitae), Labcorp); PubMed 16450403 (cited by 5 submitters); PubMed 35357708 (cited by Natera, Inc.); PubMed 26179960 (cited by Women's Health and Genetics/Laboratory Corporation of America, LabCorp); PubMed 27362913 (cited by Women's Health and Genetics/Laboratory Corporation of America, LabCorp); PubMed 27164344 (cited by Women's Health and Genetics/Laboratory Corporation of America, LabCorp); PubMed 29300369 (cited by Illumina Laboratory Services, Illumina).

NM_000481.4(AMT):c.471+2T>C

Gene: AMT (aminomethyltransferase; minus strand). Cytogenetic location: 3p21.31.
Variant type: single nucleotide variant.
Coding change: c.471+2T>C on transcript NM_000481.4 (MANE Select); the canonical splice donor site of the intron after coding-DNA position 471, T replaced by C.
Molecular consequence: splice donor variant. On other transcripts: intron variant (1).
Genome position (GRCh38, 1-based): chr3:49,420,209, A>G on the plus strand (T>C on the coding strand, the complement: AMT is on the minus strand). VCF-style: chr3-49420209-A-G. GRCh37 (hg19) VCF-style: chr3-49457642-A-G.
Other names: c.303+2T>C (NM_001164711.2); c.340-421T>C (NM_001164710.2); c.471+2T>C (NM_001164712.2, NM_001164712.1).
Identifiers: ClinVar variation 56233 (VCV000056233.26), dbSNP rs386833684, ClinGen allele CA263578.